The following is an entry in ClinVar:

ClinVar aggregate classification (germline): Uncertain significance (1 of 4 stars; one submission).

Conditions:
Developmental and epileptic encephalopathy, 11 (DEE11). Also called: Early infantile epileptic encephalopathy 11. Identifiers: Orphanet 1934, MedGen C3150987, MONDO:0013388, OMIM 613721.
Seizures, benign familial infantile, 3 (BFIS3). Also called: CONVULSIONS, BENIGN FAMILIAL INFANTILE, 3; Familial neonatal seizures. Identifiers: Orphanet 140927, Orphanet 306, MedGen C1843140, MONDO:0011904, OMIM 607745.

gnomAD v4.1: 1 of 1,614,050 alleles (0.000062%); highest among the groups gnomAD compares: Admixed American, 0.0017%; no homozygotes.

Submission:

Labcorp Genetics (formerly Invitae), Labcorp
Classification: Uncertain significance for Seizures, benign familial infantile, 3; Developmental and epileptic encephalopathy, 11. Last evaluated: 2024-04-03. Review status: criteria provided, single submitter. Criteria: Invitae Variant Classification Sherloc (09022015). Collection method: clinical testing. Allele origin: germline.
Comment: This sequence change replaces alanine, which is neutral and non-polar, with threonine, which is neutral and polar, at codon 1245 of the SCN2A protein (p.Ala1245Thr). This variant is present in population databases (rs746995859, gnomAD 0.003%). This variant has not been reported in the literature in individuals affected with SCN2A-related conditions. Advanced modeling of protein sequence and biophysical properties (such as structural, functional, and spatial information, amino acid conservation, physicochemical variation, residue mobility, and thermodynamic stability) performed at Invitae indicates that this missense variant is expected to disrupt SCN2A protein function with a positive predictive value of 95%. In summary, the available evidence is currently insufficient to determine the role of this variant in disease. Therefore, it has been classified as a Variant of Uncertain Significance.

NM_001040142.2(SCN2A):c.3733G>A (p.Ala1245Thr)

Gene: SCN2A (sodium voltage-gated channel alpha subunit 2; plus strand). Cytogenetic location: 2q24.3.
Variant type: single nucleotide variant.
Coding change: c.3733G>A on transcript NM_001040142.2 (MANE Select); coding-DNA position 3733, G replaced by A.
Protein change: p.Ala1245Thr; replaces alanine 1245 with threonine.
Molecular consequence: missense variant.
Genome position (GRCh38, 1-based): chr2:165,370,183, G>A. VCF-style: chr2-165370183-G-A. GRCh37 (hg19) VCF-style: chr2-166226693-G-A.
Other names: c.3733G>A, p.Ala1245Thr (NM_001040143.2, NM_001371246.1, NM_001371247.1 and 1 more transcripts); short protein forms A1245T.
Identifiers: ClinVar variation 3753668 (VCV003753668.2).